The following is an entry in ClinVar:

ClinVar aggregate classification (germline): Uncertain significance (0 of 4 stars; one submission).

Allele frequency attached by ClinVar (database versions not stated): gnomAD exomes 0.00030 and 0.00066; ExAC 0.00031; gnomAD 0.00034 and 0.00036; TOPMed 0.00036; ESP Exome Variant Server 0.00054.
gnomAD v4.1: 1,012 of 1,613,362 alleles (0.063%); highest among the groups gnomAD compares: Non-Finnish European, 0.081%; 1 homozygote.

Submission:

Department of Pathology and Laboratory Medicine, Sinai Health System
Classification: Uncertain significance. Review status: no assertion criteria provided. Collection method: clinical testing. Allele origin: unknown. Affected: yes. Study: The Canadian Open Genetics Repository (COGR).
Comment: The POLQ p.Glu2465Lys variant was not identified in the literature nor was it identified in ClinVar or LOVD 3.0. The variant was identified in dbSNP (ID: rs3218635) and was identified in control databases in 86 of 282120 chromosomes at a frequency of 0.0003048 (Genome Aggregation Database March 6, 2019, v2.1.1). The variant was observed in the following populations: European (non-Finnish) in 75 of 128820 chromosomes (freq: 0.000582), Other in 2 of 7182 chromosomes (freq: 0.000279), Latino in 5 of 35316 chromosomes (freq: 0.000142), Ashkenazi Jewish in 1 of 10346 chromosomes (freq: 0.000097), African in 2 of 24950 chromosomes (freq: 0.00008) and European (Finnish) in 1 of 25054 chromosomes (freq: 0.00004), but was not observed in the East Asian or South Asian populations. The p.Glu2465 residue is conserved in mammals and computational analyses (PolyPhen-2, SIFT, AlignGVGD, BLOSUM, MutationTaster) provide inconsistent predictions regarding the impact to the protein; this information is not very predictive of pathogenicity. The variant occurs outside of the splicing consensus sequence and in silico or computational prediction software programs (SpliceSiteFinder, MaxEntScan, NNSPLICE, GeneSplicer) do not predict a difference in splicing. In summary, based on the above information the clinical significance of this variant cannot be determined with certainty at this time. This variant is classified as a variant of uncertain significance.

NM_199420.4(POLQ):c.7393G>A (p.Glu2465Lys)

Gene: POLQ (DNA polymerase theta; minus strand). Cytogenetic location: 3q13.33.
Variant type: single nucleotide variant.
Coding change: c.7393G>A on transcript NM_199420.4 (MANE Select); coding-DNA position 7393, G replaced by A.
Protein change: p.Glu2465Lys; replaces glutamic acid 2465 with lysine.
Molecular consequence: missense variant.
Genome position (GRCh38, 1-based): chr3:121,436,272, C>T on the plus strand (G>A on the coding strand, the complement: POLQ is on the minus strand). VCF-style: chr3-121436272-C-T. GRCh37 (hg19) VCF-style: chr3-121155119-C-T.
Other names: short protein forms E2465K.
Identifiers: ClinVar variation 1050078 (VCV001050078.1), dbSNP rs3218635, ClinGen allele CA2562180.